The following is an entry in ClinVar:

NM_004924.6(ACTN4):c.1481G>A (p.Arg494Gln)

Gene: ACTN4 (actinin alpha 4; plus strand). Cytogenetic location: 19q13.2.
Variant type: single nucleotide variant.
Coding change: c.1481G>A on transcript NM_004924.6 (MANE Select); coding-DNA position 1481, G replaced by A.
Protein change: p.Arg494Gln; replaces arginine 494 with glutamine.
Molecular consequence: missense variant.
Genome position (GRCh38, 1-based): chr19:38,723,652, G>A. VCF-style: chr19-38723652-G-A. GRCh37 (hg19) VCF-style: chr19-39214292-G-A.
Other names: c.1481G>A, p.Arg494Gln (NM_001322033.2, NM_001411143.1); short protein forms R494Q.
Identifiers: ClinVar variation 3705439 (VCV003705439.2).

ClinVar aggregate classification (germline): Uncertain significance (1 of 4 stars; one submission).

gnomAD v4.1: 16 of 1,613,326 alleles (0.00099%); highest among the groups gnomAD compares: Admixed American, 0.0067%; no homozygotes.

Submission:

Labcorp Genetics (formerly Invitae), Labcorp
Classification: Uncertain significance. Last evaluated: 2024-05-31. Review status: criteria provided, single submitter. Criteria: Invitae Variant Classification Sherloc (09022015). Collection method: clinical testing. Allele origin: germline.
Comment: This sequence change replaces arginine, which is basic and polar, with glutamine, which is neutral and polar, at codon 494 of the ACTN4 protein (p.Arg494Gln). This variant is present in population databases (rs369886738, gnomAD 0.006%). This variant has not been reported in the literature in individuals affected with ACTN4-related conditions. Advanced modeling of protein sequence and biophysical properties (such as structural, functional, and spatial information, amino acid conservation, physicochemical variation, residue mobility, and thermodynamic stability) performed at Invitae indicates that this missense variant is not expected to disrupt ACTN4 protein function with a negative predictive value of 80%. In summary, the available evidence is currently insufficient to determine the role of this variant in disease. Therefore, it has been classified as a Variant of Uncertain Significance.